The following is an entry in ClinVar:

ClinVar aggregate classification (germline): Uncertain significance (1 of 4 stars; one submission).

Conditions:
PKD1-related disorder. Also called: PKD1-related condition.

Submission:

PreventionGenetics, part of Exact Sciences
Classification: Uncertain significance for PKD1-related condition. Last evaluated: 2026-06-09. Review status: criteria provided, single submitter. Criteria: ACMG Guidelines, 2015. Collection method: clinical testing. Allele origin: germline.
Comment: The PKD1 c.2140C>T variant is predicted to result in the amino acid substitution p.Leu714Phe. To our knowledge, this variant has not been reported in the literature or in a large population database (gnomAD), indicating this variant is rare. An alternate missense change at the same amino acid position (p.Leu714Pro) has been reported in an individual affected with polycystic kidney disease (Table S1, Kimura et al. 2023. PubMed ID: 37509056). At this time, the clinical significance of this variant is uncertain due to the absence of conclusive functional and genetic evidence.

NM_001009944.3(PKD1):c.2140C>T (p.Leu714Phe)

Gene: PKD1 (polycystin 1, transient receptor potential channel interacting; minus strand). Cytogenetic location: 16p13.3.
Variant type: single nucleotide variant.
Coding change: c.2140C>T on transcript NM_001009944.3 (MANE Select); coding-DNA position 2140, C replaced by T.
Protein change: p.Leu714Phe; replaces leucine 714 with phenylalanine.
Molecular consequence: missense variant.
Genome position (GRCh38, 1-based): chr16:2,114,883, G>A on the plus strand (C>T on the coding strand, the complement: PKD1 is on the minus strand). VCF-style: chr16-2114883-G-A. GRCh37 (hg19) VCF-style: chr16-2164884-G-A.
Other names: c.2140C>T, p.Leu714Phe (NM_000296.4); short protein forms L714F.
Identifiers: ClinVar variation 4984131 (VCV004984131.1).